The following is an entry in ClinVar:

ClinVar aggregate classification (germline): Uncertain significance (1 of 4 stars; one submission).

Conditions:
Neurodegeneration with brain iron accumulation 4 (NBIA4). Also called: MITOCHONDRIAL PROTEIN-ASSOCIATED NEURODEGENERATION. Identifiers: Orphanet 289560, MedGen C3280371, MONDO:0013674, OMIM 614298. Disease mechanism: loss of function.

Submission:

Foundation for Research in Genetics and Endocrinology, FRIGE's Institute of Human Genetics
Classification: Uncertain significance for Neurodegeneration with brain iron accumulation 4. Last evaluated: 2021-04-04. Review status: criteria provided, single submitter. Criteria: ACMG Guidelines, 2015. Collection method: clinical testing. Allele origin: germline. Inheritance: Autosomal recessive inheritance. Affected: yes. Observed: 1 homozygote.
Comment: A homozygous missense variation in exon 3 of the C19orf12 gene that results in the amino acid substitution of Alanine for Valine at codon 122 was detected. The observed variant c.365T>C (p.Val122Ala) has a minor allele frequency of 0.001% in the 1000 genomes and gnomAD databases. A different missense variant affecting nearby codon *Leu121Gln) has previously been reported in patients affected with neurodegeneration with brain iron accumulation (Hovarth et al 2012). The in silico prediction of the variant are probably by PolyPhen-2 (HumDiv) and damaging by SIFT, LRT and MutationTaster2. The reference codon is conserved across species. In summary, the variant meets our criteria to be classified as a variant of uncertain significance.

Literature cited by the submitters: PubMed 22508347.

NM_031448.6(C19orf12):c.332T>C (p.Val111Ala)

Gene: C19orf12 (chromosome 19 open reading frame 12; minus strand). Cytogenetic location: 19q12.
Variant type: single nucleotide variant.
Coding change: c.332T>C on transcript NM_031448.6 (MANE Select); coding-DNA position 332, T replaced by C.
Protein change: p.Val111Ala; replaces valine 111 with alanine.
Molecular consequence: missense variant. On other transcripts: intron variant (1).
Genome position (GRCh38, 1-based): chr19:29,702,806, A>G on the plus strand (T>C on the coding strand, the complement: C19orf12 is on the minus strand). VCF-style: chr19-29702806-A-G. GRCh37 (hg19) VCF-style: chr19-30193713-A-G.
Other names: p.Val122Ala; c.332T>C, p.Val111Ala (NM_001031726.4, NM_001256047.2); c.140T>C, p.Val47Ala (NM_001282929.1, NM_001282930.3, NM_001282931.3); c.291-14T>C (NM_001256046.3); short protein forms V111A, V47A.
Identifiers: ClinVar variation 1251967 (VCV001251967.3), dbSNP rs1972173461, ClinGen allele CA405142691.